The following is an entry in ClinVar:

ClinVar aggregate classification (germline): Uncertain significance. Review status: criteria provided, multiple submitters, no conflicts (2 of 4 stars). 2 submissions from 2 submitters: Uncertain significance (2). Last evaluated 2025-07-02.

Conditions:
Generalized epilepsy-paroxysmal dyskinesia syndrome (PNKD3). Also called: Generalized epilepsy and paroxysmal dyskinesia; Paroxysmal nonkinesigenic dyskinesia, 3, with or without generalized epilepsy. Identifiers: Orphanet 79137, MedGen C5574945, MONDO:0012276, OMIM 609446.

Allele frequency attached by ClinVar (database versions not stated): gnomAD exomes below 0.00001.
gnomAD v4.1: 1 of 1,503,472 alleles (0.000067%); highest among the groups gnomAD compares: Admixed American, 0.0021%; no homozygotes.

Submissions (2):

Labcorp Genetics (formerly Invitae), Labcorp
Classification: Uncertain significance for Generalized epilepsy-paroxysmal dyskinesia syndrome. Last evaluated: 2025-07-02. Review status: criteria provided, single submitter. Criteria: Invitae Variant Classification Sherloc (09022015). Collection method: clinical testing. Allele origin: germline.
Comment: This sequence change replaces glycine, which is neutral and non-polar, with serine, which is neutral and polar, at codon 10 of the KCNMA1 protein (p.Gly10Ser). The frequency data for this variant in the population databases is considered unreliable, as metrics indicate poor data quality at this position in the gnomAD database. This variant has not been reported in the literature in individuals affected with KCNMA1-related conditions. ClinVar contains an entry for this variant (Variation ID: 2045228). An algorithm developed to predict the effect of missense changes on protein structure and function outputs the following: PolyPhen-2: "Not Available". The serine amino acid residue is found in multiple mammalian species, which suggests that this missense change does not adversely affect protein function. In summary, the available evidence is currently insufficient to determine the role of this variant in disease. Therefore, it has been classified as a Variant of Uncertain Significance.

Athena Diagnostics
Classification: Uncertain significance. Last evaluated: 2024-09-17. Review status: criteria provided, single submitter. Criteria: Athena Diagnostics Criteria. Collection method: clinical testing. Allele origin: unknown.
Comment: Available data are insufficient to determine the clinical significance of the variant at this time. The frequency of this variant in the general population is uninformative in assessment of its pathogenicity. Polyphen and MutationTaster predict this amino acid change may be benign.

NM_001161352.2(KCNMA1):c.28G>A (p.Gly10Ser)

Gene: KCNMA1 (potassium calcium-activated channel subfamily M alpha 1; minus strand). Cytogenetic location: 10q22.3.
Variant type: single nucleotide variant.
Coding change: c.28G>A on transcript NM_001161352.2 (MANE Select); coding-DNA position 28, G replaced by A.
Protein change: p.Gly10Ser; replaces glycine 10 with serine.
Molecular consequence: missense variant.
Genome position (GRCh38, 1-based): chr10:77,637,615, C>T on the plus strand (G>A on the coding strand, the complement: KCNMA1 is on the minus strand). VCF-style: chr10-77637615-C-T. GRCh37 (hg19) VCF-style: chr10-79397373-C-T.
Other names: c.28G>A, p.Gly10Ser (NM_001014797.3, NM_001161353.2, NM_001271518.2 and 13 more transcripts); c.28G>A (NM_002247.3); short protein forms G10S.
Identifiers: ClinVar variation 2045228 (VCV002045228.5), dbSNP rs776683537, ClinGen allele CA5568827.
Genomic context (GRCh38, chr10:77,637,615, plus strand): 5'-GGATATTGCTACTCATTCTAAGACTGCTGCCTCCGCCGCCGCCGCCGCCGCCGCTGCTGC[C>T]GCCGCCGCCGCCGCCACCATTTGCCATAGCTAGCAACGGGCAGCCGGCGCAGGGGCTCGG-3'
Protein context (NP_001154824.1, residues 1-20): MANGGGGGG[Gly10Ser]SSGGGGGGGG